The following is an entry in ClinVar:

ClinVar aggregate classification (germline): Pathogenic (1 of 4 stars; one submission).

Conditions:
Capillary malformation-arteriovenous malformation syndrome. Also called: Capillary malformation-arteriovenous malformation. Identifiers: Orphanet 137667, MedGen C1842180, MONDO:0012016.

Submission:

Labcorp Genetics (formerly Invitae), Labcorp
Classification: Pathogenic for Capillary malformation-arteriovenous malformation syndrome. Last evaluated: 2024-05-07. Review status: criteria provided, single submitter. Criteria: Invitae Variant Classification Sherloc (09022015). Collection method: clinical testing. Allele origin: germline.
Comment: This sequence change creates a premature translational stop signal (p.Glu734Asnfs*4) in the RASA1 gene. It is expected to result in an absent or disrupted protein product. Loss-of-function variants in RASA1 are known to be pathogenic (PMID: 24038909). This variant is not present in population databases (gnomAD no frequency). This variant has not been reported in the literature in individuals affected with RASA1-related conditions. For these reasons, this variant has been classified as Pathogenic.

Literature cited by the submitters: PubMed 24038909.

NM_002890.3(RASA1):c.2200del (p.Glu734fs)

Genes: CCNH (cyclin H; minus strand), RASA1 (RAS p21 protein activator 1; plus strand). Cytogenetic location: 5q14.3.
Variant type: Deletion.
Coding change: c.2200del on transcript NM_002890.3 (MANE Select); coding-DNA position 2200, one base deleted (G; older notation c.2200delG).
Protein change: p.Glu734fs; shifts the reading frame from glutamic acid 734.
Molecular consequence: frameshift variant. On other transcripts: intron variant (1).
Genome position (GRCh38, 1-based): chr5:87,376,896, G deleted; the last of 2 consecutive G bases (chr5:87,376,895-87,376,896); deleting either gives the same sequence. VCF-style (leftmost placement, unchanged base first): chr5-87376894-AG-A. GRCh37 (hg19) VCF-style: chr5-86672711-AG-A.
Other names: c.1669del, p.Glu557fs (NM_022650.3); c.933+18149del (NM_001364075.2); short protein forms E557fs, E734fs.
Identifiers: ClinVar variation 3640440 (VCV003640440.2).